The following is an entry in ClinVar:

NM_001349206.2(LPIN1):c.288+2dup

Gene: LPIN1 (lipin 1; plus strand). Cytogenetic location: 2p25.1.
Variant type: Duplication.
Coding change: c.288+2dup on transcript NM_001349206.2 (MANE Select); the canonical splice donor site of the intron after coding-DNA position 288, one base duplicated (T; older notation c.288+2dupT).
Molecular consequence: splice donor variant.
Genome position (GRCh38, 1-based): chr2:11,767,860, T duplicated. VCF-style (leftmost placement, unchanged base first): chr2-11767859-G-GT. GRCh37 (hg19) VCF-style: chr2-11907985-G-GT.
Other names: c.435+2dup (NM_001261428.3, NM_001349208.2); c.378+2dup (NM_001349207.2); c.306+2dup (NM_001261427.3); c.288+2dup (NM_001349204.2, NM_001349202.2, NM_001349200.2 and 5 more transcripts).
Identifiers: ClinVar variation 3775683 (VCV003775683.1).

ClinVar aggregate classification (germline): Pathogenic (1 of 4 stars; one submission).

Conditions:
Myoglobinuria, acute recurrent, autosomal recessive. Also called: MYOGLOBINURIA, FAMILIAL PAROXYSMAL PARALYTIC; Myoglobinuria, recurrent, autosomal recessive; RHABDOMYOLYSIS, ACUTE RECURRENT. Identifiers: Orphanet 99845, MedGen C1849386, MONDO:0009992, OMIM 268200.

Submission:

3billion
Classification: Pathogenic for Myoglobinuria, acute recurrent, autosomal recessive. Last evaluated: 2023-11-28. Review status: criteria provided, single submitter. Criteria: ACMG Guidelines, 2015. Collection method: clinical testing. Allele origin: germline. Affected: yes.
Comment: The variant is not observed in the gnomAD v2.1.1 dataset. Predicted Consequence/Location: Canonical splice site: predicted to alter splicing and result in a loss or disruption of normal protein function. Multiple pathogenic loss-of-function variants are reported downstream of the variant. In silico tools predict the variant to alter splicing and produce an abnormal transcript [Splice AI: 0.96 (spliceogenicity >=0.2, non-spliceogenicity <0.1)]. Therefore, this variant is classified as Pathogenic according to the recommendation of ACMG/AMP guideline.